The following is an entry in ClinVar:

NM_002386.4(MC1R):c.544_*593del (p.Tyr182fs)

Gene: MC1R (melanocortin 1 receptor; plus strand). Cytogenetic location: 16q24.3.
Variant type: Deletion.
Coding change: c.544_*593del on transcript NM_002386.4 (MANE Select); coding-DNA position 544 through 593 bases downstream of the stop codon, 1,004 bases deleted.
Protein change: p.Tyr182fs; shifts the reading frame from tyrosine 182.
Molecular consequence: frameshift variant.
Genome position (GRCh38, 1-based): chr16:89,919,802-89,920,805, 1,004 bases deleted. GRCh37 (hg19): chr16:89,986,210-89,987,213.
Other names: short protein forms Y182fs.
Identifiers: ClinVar variation 857569 (VCV000857569.1), ClinGen allele CA916083514.

ClinVar aggregate classification (germline): Uncertain significance (1 of 4 stars; one submission).

Conditions:
Melanoma, cutaneous malignant, susceptibility to, 5. Also called: Cutaneous malignant melanoma 5. Identifiers: Orphanet 618, MedGen C2751295, MONDO:0013133, OMIM 613099.

Submission:

Labcorp Genetics (formerly Invitae), Labcorp
Classification: Uncertain significance for Cutaneous malignant melanoma 5. Last evaluated: 2019-02-26. Review status: criteria provided, single submitter. Criteria: Invitae Variant Classification Sherloc (09022015). Collection method: clinical testing. Allele origin: germline.
Comment: This variant is a partial deletion of the single exon gene MC1R (c.543_*592del). While this is not anticipated to result in nonsense mediated decay it likely results in a disrupted protein product. This variant has not been reported in the literature in individuals with MC1R-related conditions. Experimental studies and prediction algorithms are not available for this variant, and the functional significance of the affected amino acid(s) is currently unknown. The current clinical and genetic evidence is not sufficient to establish whether loss-of-function variants in MC1R cause disease. In summary, the available evidence is currently insufficient to determine the role of this variant in disease. Therefore, it has been classified as a Variant of Uncertain Significance.